The following is an entry in ClinVar:

ClinVar aggregate classification (germline): Uncertain significance. Review status: criteria provided, multiple submitters, no conflicts (2 of 4 stars). 4 submissions from 4 submitters: Uncertain significance (4). Last evaluated 2026-07-28.

Conditions:
Inborn genetic diseases. Identifiers: MedGen C0950123, MeSH D030342.
MYO6-related disorder. Also called: MYO6-related condition; MYO6-related disorders.

Allele frequency attached by ClinVar (database versions not stated): gnomAD exomes below 0.00001; TOPMed 0.00001.
gnomAD v4.1: 5 of 1,614,014 alleles (0.00031%); highest among the groups gnomAD compares: Admixed American, 0.0033%; no homozygotes.

Submissions (4):

PreventionGenetics, part of Exact Sciences
Classification: Uncertain significance for MYO6-related condition. Last evaluated: 2026-07-28. Review status: criteria provided, single submitter. Criteria: ACMG Guidelines, 2015. Collection method: clinical testing. Allele origin: germline.
Comment: The MYO6 c.1885A>G variant is predicted to result in the amino acid substitution p.Lys629Glu. To our knowledge, this variant has not been reported in the literature. This variant is reported in 0.0033% of alleles in individuals of South Asian descent in gnomAD. At this time, the clinical significance of this variant is uncertain due to the absence of conclusive functional and genetic evidence.

Ambry Genetics
Classification: Uncertain significance for Inborn genetic diseases. Last evaluated: 2025-06-19. Review status: criteria provided, single submitter. Criteria: Ambry Variant Classification Scheme 2023. Collection method: clinical testing. Allele origin: germline.

Labcorp Genetics (formerly Invitae), Labcorp
Classification: Uncertain significance. Last evaluated: 2024-04-01. Review status: criteria provided, single submitter. Criteria: Invitae Variant Classification Sherloc (09022015). Collection method: clinical testing. Allele origin: germline.
Comment: This sequence change replaces lysine, which is basic and polar, with glutamic acid, which is acidic and polar, at codon 629 of the MYO6 protein (p.Lys629Glu). This variant is present in population databases (no rsID available, gnomAD 0.003%). This variant has not been reported in the literature in individuals affected with MYO6-related conditions. Advanced modeling of protein sequence and biophysical properties (such as structural, functional, and spatial information, amino acid conservation, physicochemical variation, residue mobility, and thermodynamic stability) performed at Invitae indicates that this missense variant is not expected to disrupt MYO6 protein function with a negative predictive value of 80%. In summary, the available evidence is currently insufficient to determine the role of this variant in disease. Therefore, it has been classified as a Variant of Uncertain Significance.

Blueprint Genetics
Classification: Uncertain significance. Last evaluated: 2018-03-07. Review status: criteria provided, single submitter. Criteria: ACMG Guidelines, 2015. Collection method: clinical testing. Allele origin: germline.

NM_004999.4(MYO6):c.1885A>G (p.Lys629Glu)

Gene: MYO6 (myosin VI; plus strand). Cytogenetic location: 6q14.1.
Variant type: single nucleotide variant.
Coding change: c.1885A>G on transcript NM_004999.4 (MANE Select); coding-DNA position 1885, A replaced by G.
Protein change: p.Lys629Glu; replaces lysine 629 with glutamic acid.
Molecular consequence: missense variant. On other transcripts: non-coding transcript variant (1).
Genome position (GRCh38, 1-based): chr6:75,867,046, A>G. VCF-style: chr6-75867046-A-G. GRCh37 (hg19) VCF-style: chr6-76576763-A-G.
Other names: c.1885A>G, p.Lys629Glu (NM_001300899.2, NM_001368136.1, NM_001368137.1 and 2 more transcripts); c.1870A>G, p.Lys624Glu (NM_001368138.1); c.1885A>G (NM_004999.3); short protein forms K629E, K624E.
Identifiers: ClinVar variation 2971931 (VCV002971931.6), dbSNP rs1318069575, ClinGen allele CA364765844.